The following is an entry in ClinVar:

ClinVar aggregate classification (germline): Likely benign. Review status: criteria provided, multiple submitters, no conflicts (2 of 4 stars). 2 submissions from 2 submitters: Likely benign (2). Last evaluated 2025-12-10.

Conditions:
GORAB-related disorder. Also called: GORAB-related condition.

Allele frequency attached by ClinVar (database versions not stated): ExAC 0.00005; ESP Exome Variant Server 0.00008; gnomAD exomes 0.00008 and 0.00012; TOPMed 0.00014.
gnomAD v4.1: 190 of 1,613,956 alleles (0.012%); highest among the groups gnomAD compares: Admixed American, 0.017%; no homozygotes.

Submissions (3):

PreventionGenetics, part of Exact Sciences
Classification: Likely benign for GORAB-related condition. Last evaluated: 2025-12-10. Review status: criteria provided, single submitter. Criteria: ACMG Guidelines, 2015. Collection method: clinical testing. Allele origin: germline.
Comment: This variant is classified as likely benign based on ACMG/AMP sequence variant interpretation guidelines (Richards et al. 2015 PMID: 25741868, with internal and published modifications).

Labcorp Genetics (formerly Invitae), Labcorp
Classification: Likely benign. Last evaluated: 2025-09-23. Review status: criteria provided, single submitter. Criteria: Invitae Variant Classification Sherloc (09022015). Collection method: clinical testing. Allele origin: germline.

Dr. Peter K. Rogan Lab, Western University
No classification provided (evidence only). Condition: Nonpapillary renal cell carcinoma. Review status: no classification provided. Collection method: in vitro. Allele origin: not applicable. Functional consequence: retained intron. Not counted in ClinVar's aggregate classification.

NM_152281.3(GORAB):c.258G>A (p.Pro86=)

Gene: GORAB (golgin, RAB6 interacting; plus strand). Cytogenetic location: 1q24.2.
Variant type: single nucleotide variant.
Coding change: c.258G>A on transcript NM_152281.3 (MANE Select); coding-DNA position 258, G replaced by A.
Protein change: p.Pro86=; no amino-acid change (proline 86 retained).
Molecular consequence: synonymous variant. On other transcripts: 5 prime UTR variant (1), non-coding transcript variant (1).
Genome position (GRCh38, 1-based): chr1:170,539,406, G>A. VCF-style: chr1-170539406-G-A. GRCh37 (hg19) VCF-style: chr1-170508547-G-A.
Other names: c.258G>A, p.Pro86= (NM_001146039.2); c.-208G>A (NM_001320252.2); c.333G>A (NM_152281.2).
Identifiers: ClinVar variation 1580333 (VCV001580333.10), dbSNP rs377442498, ClinGen allele CA1239074.